The following is an entry in ClinVar:

NC_000022.11:g.50721212delinsCC

Gene: SHANK3 (SH3 and multiple ankyrin repeat domains 3; plus strand). Cytogenetic location: 22q13.33.
Variant type: Indel.
Genome position: GRCh38 VCF-style: chr22-50721212-T-CC. GRCh37 (hg19) VCF-style: chr22-51159640-T-CC.
Identifiers: ClinVar variation 521238 (VCV000521238.3), dbSNP rs1555910140, ClinGen allele CA658799570.

ClinVar aggregate classification (germline): Pathogenic (1 of 4 stars; one submission).

Conditions:
Inborn genetic diseases. Identifiers: MedGen C0950123, MeSH D030342.

Submission:

Ambry Genetics
Classification: Pathogenic for Hereditary disease. Last evaluated: 2016-09-12. Review status: criteria provided, single submitter. Criteria: ambry_reporting_categories_2017. Collection method: clinical testing. Allele origin: germline. Affected: yes. Observed: 1 heterozygote. Segregation with disease observed.
Comment: Lines of evidence used in support of classification: POSITIVE: Relevant Alteration(s) Detected

Literature cited by the submitters: PubMed 11431708; PubMed 17173049; PubMed 11733747; PubMed 20385823; PubMed 17999366; PubMed 12920066; PubMed 22892527; PubMed 16439662; PubMed 15458844; PubMed 22670140; PubMed 25621899; PubMed 26544041; PubMed 27118998; PubMed 27554343.